The following is an entry in ClinVar:

ClinVar aggregate classification (germline): Pathogenic (1 of 4 stars; one submission).

Submission:

Labcorp Genetics (formerly Invitae), Labcorp
Classification: Pathogenic. Last evaluated: 2024-04-09. Review status: criteria provided, single submitter. Criteria: Invitae Variant Classification Sherloc (09022015). Collection method: clinical testing. Allele origin: germline.
Comment: This sequence change creates a premature translational stop signal (p.Trp61*) in the TANGO2 gene. It is expected to result in an absent or disrupted protein product. Loss-of-function variants in TANGO2 are known to be pathogenic (PMID: 26805781, 26805782). This variant is not present in population databases (gnomAD no frequency). This variant has not been reported in the literature in individuals affected with TANGO2-related conditions. For these reasons, this variant has been classified as Pathogenic.

Literature cited by the submitters: PubMed 26805781; PubMed 26805782.

NM_152906.7(TANGO2):c.183G>A (p.Trp61Ter)

Gene: TANGO2 (transport and golgi organization 2 homolog; plus strand). Cytogenetic location: 22q11.21.
Variant type: single nucleotide variant.
Coding change: c.183G>A on transcript NM_152906.7 (MANE Select); coding-DNA position 183, G replaced by A.
Protein change: p.Trp61Ter; replaces tryptophan 61 with a stop codon.
Molecular consequence: nonsense. On other transcripts: missense variant (12), non-coding transcript variant (5).
Genome position (GRCh38, 1-based): chr22:20,052,502, G>A. VCF-style: chr22-20052502-G-A. GRCh37 (hg19) VCF-style: chr22-20040025-G-A.
Other names: c.183G>A, p.Trp61Ter (NM_001283106.3, NM_001283116.3, NM_001283148.3 and 10 more transcripts); c.306G>A, p.Trp102Ter (NM_001283129.3, NM_001283215.3, NM_001322141.2 and 5 more transcripts); c.4G>A, p.Ala2Thr (NM_001283235.3, NM_001322146.2, NM_001322148.2 and 9 more transcripts); short protein forms W102*, A2T, W61*.
Identifiers: ClinVar variation 3649351 (VCV003649351.2).